The following is an entry in ClinVar:

NM_018979.4(WNK1):c.204_212del (p.Ala69_Thr71del)

Gene: WNK1 (WNK lysine deficient protein kinase 1; plus strand). Cytogenetic location: 12p13.33.
Variant type: Deletion.
Coding change: c.204_212del on transcript NM_018979.4 (MANE Select); coding-DNA positions 204 to 212, 9 bases deleted (GGCCGCGAC; older notation c.204_212delGGCCGCGAC).
Protein change: p.Ala69_Thr71del.
Molecular consequence: inframe deletion.
Genome position (GRCh38, 1-based): chr12:753,769-753,777, GGCCGCGAC deleted; deleting any 9 consecutive bases within chr12:753,768-753,777 gives the same sequence; the c. name uses the placement nearest the transcript's 3' end. VCF-style (leftmost placement, unchanged base first): chr12-753767-GCGGCCGCGA-G. GRCh37 (hg19) VCF-style: chr12-862933-GCGGCCGCGA-G.
Other names: c.204_212del, p.Ala69_Thr71del (NM_001184985.2, NM_014823.3, NM_213655.5).
Identifiers: ClinVar variation 1355817 (VCV001355817.6), dbSNP rs2121006826, ClinGen allele CA2573148370.

ClinVar aggregate classification (germline): Uncertain significance (1 of 4 stars; one submission).

Conditions:
Neuropathy, hereditary sensory and autonomic, type 2A (HSAN2A). Also called: WNK1-Related HSAN2 (HSAN2A); MORVAN DISEASE; NEUROPATHY, CONGENITAL SENSORY; NEUROPATHY, HEREDITARY SENSORY RADICULAR, AUTOSOMAL RECESSIVE; NEUROPATHY, HEREDITARY SENSORY, TYPE IIA; NEUROPATHY, PROGRESSIVE SENSORY, OF CHILDREN. Identifiers: Orphanet 970, MedGen C2752089, MONDO:0024309, OMIM 201300.
Pseudohypoaldosteronism type 2C (PHA2C). Also called: Pseudohypoaldosteronism Type IIC. Identifiers: Orphanet 757, Orphanet 88940, MedGen C1840391, MONDO:0013778, OMIM 614492.

Submission:

Labcorp Genetics (formerly Invitae), Labcorp
Classification: Uncertain significance for Neuropathy, hereditary sensory and autonomic, type 2A; Pseudohypoaldosteronism type 2C. Last evaluated: 2021-12-14. Review status: criteria provided, single submitter. Criteria: Invitae Variant Classification Sherloc (09022015). Collection method: clinical testing. Allele origin: germline.
Comment: In summary, the available evidence is currently insufficient to determine the role of this variant in disease. Therefore, it has been classified as a Variant of Uncertain Significance. Experimental studies and prediction algorithms are not available or were not evaluated, and the functional significance of this variant is currently unknown. This variant has not been reported in the literature in individuals affected with WNK1-related conditions. This variant is not present in population databases (gnomAD no frequency). This variant, c.204_212del, results in the deletion of 3 amino acid(s) of the WNK1 protein (p.Ala69_Thr71del), but otherwise preserves the integrity of the reading frame.